The following is an entry in ClinVar:

ClinVar aggregate classification (germline): Pathogenic. Review status: criteria provided, multiple submitters, no conflicts (2 of 4 stars). 3 submissions from 3 submitters: Pathogenic (3). Last evaluated 2024-02-16.

Conditions:
Pontocerebellar hypoplasia type 6 (PCH6). Identifiers: Orphanet 166073, MedGen C1969084, MONDO:0012683, OMIM 611523.

gnomAD v4.1: 3 of 1,613,974 alleles (0.00019%); highest among the groups gnomAD compares: Non-Finnish European, 0.00017%; no homozygotes.

Submissions (3):

Labcorp Genetics (formerly Invitae), Labcorp
Classification: Pathogenic. Last evaluated: 2024-02-16. Review status: criteria provided, single submitter. Criteria: Invitae Variant Classification Sherloc (09022015). Collection method: clinical testing. Allele origin: germline.
Comment: This sequence change creates a premature translational stop signal (p.Gln208*) in the RARS2 gene. It is expected to result in an absent or disrupted protein product. Loss-of-function variants in RARS2 are known to be pathogenic (PMID: 17847012, 22569581, 26083569). This variant is not present in population databases (gnomAD no frequency). This premature translational stop signal has been observed in individual(s) with clinical features of RARS2-related conditions (PMID: 27290639, 32571458). ClinVar contains an entry for this variant (Variation ID: 1451754). For these reasons, this variant has been classified as Pathogenic.

Baylor Genetics
Classification: Pathogenic for Pontocerebellar hypoplasia type 6. Last evaluated: 2023-07-15. Review status: criteria provided, single submitter. Criteria: ACMG Guidelines, 2015. Collection method: clinical testing. Allele origin: unknown.

Juno Genomics, Hangzhou Juno Genomics, Inc
Classification: Pathogenic for Pontocerebellar hypoplasia type 6. Review status: criteria provided, single submitter. Criteria: ACMG Guidelines, 2015. Collection method: clinical testing. Allele origin: germline.
Comment: Absent from controls (or at extremely low frequency if recessive) in Genome Aggregation Database.;Null variant in a gene where loss of function (LOF) is a known mechanism of disease.;For recessive disorders, detected in trans with a pathogenic variant.

Literature cited by the submitters: PubMed 17847012 (cited by Labcorp Genetics (formerly Invitae), Labcorp); PubMed 22569581 (cited by Labcorp Genetics (formerly Invitae), Labcorp); PubMed 26083569 (cited by Labcorp Genetics (formerly Invitae), Labcorp); PubMed 27290639 (cited by Labcorp Genetics (formerly Invitae), Labcorp); PubMed 32571458 (cited by Labcorp Genetics (formerly Invitae), Labcorp).

NM_020320.5(RARS2):c.622C>T (p.Gln208Ter)

Gene: RARS2 (arginyl-tRNA synthetase 2, mitochondrial; minus strand). Cytogenetic location: 6q15.
Variant type: single nucleotide variant.
Coding change: c.622C>T on transcript NM_020320.5 (MANE Select); coding-DNA position 622, C replaced by T.
Protein change: p.Gln208Ter; replaces glutamine 208 with a stop codon.
Molecular consequence: nonsense. On other transcripts: non-coding transcript variant (23).
Genome position (GRCh38, 1-based): chr6:87,530,933, G>A on the plus strand (C>T on the coding strand, the complement: RARS2 is on the minus strand). VCF-style: chr6-87530933-G-A. GRCh37 (hg19) VCF-style: chr6-88240651-G-A.
Other names: c.97C>T, p.Gln33Ter (NM_001318785.2, NM_001350506.2, NM_001350507.2 and 4 more transcripts); c.622C>T, p.Gln208Ter (NM_001350505.2); short protein forms Q33*, Q208*.
Identifiers: ClinVar variation 1451754 (VCV001451754.9), dbSNP rs1777321509, ClinGen allele CA364929837.
Genomic context (GRCh38, chr6:87,530,933, plus strand): 5'-GGAAGAACTCCTGTGCTGCTTTTGCTACACTTTTATCATCTGCTGCTTCTTTATTAACTT[G>A]TACATAAACCTAAAAGTACAATAGTACATTAAATGAAGTACATAACAGGTCATTGTTATC-3'